The following is an entry in ClinVar:

ClinVar aggregate classification (germline): Uncertain significance (1 of 4 stars; one submission).

Conditions:
Oligodontia-cancer predisposition syndrome. Also called: TOOTH AGENESIS-COLORECTAL CANCER SYNDROME. Identifiers: Orphanet 300576, MedGen C1837750, MONDO:0012075, OMIM 608615. Disease mechanism: loss of function.

gnomAD v4.1: 1 of 1,613,644 alleles (0.000062%); highest among the groups gnomAD compares: Non-Finnish European, 0.000085%; no homozygotes.

Submission:

Labcorp Genetics (formerly Invitae), Labcorp
Classification: Uncertain significance for Oligodontia-cancer predisposition syndrome. Last evaluated: 2024-12-23. Review status: criteria provided, single submitter. Criteria: Invitae Variant Classification Sherloc (09022015). Collection method: clinical testing. Allele origin: germline.
Comment: This sequence change replaces valine, which is neutral and non-polar, with glycine, which is neutral and non-polar, at codon 619 of the AXIN2 protein (p.Val619Gly). This variant is present in population databases (no rsID available, gnomAD 0.0009%). This variant has not been reported in the literature in individuals affected with AXIN2-related conditions. ClinVar contains an entry for this variant (Variation ID: 1006572). Invitae Evidence Modeling of protein sequence and biophysical properties (such as structural, functional, and spatial information, amino acid conservation, physicochemical variation, residue mobility, and thermodynamic stability) indicates that this missense variant is expected to disrupt AXIN2 protein function with a positive predictive value of 80%. In summary, the available evidence is currently insufficient to determine the role of this variant in disease. Therefore, it has been classified as a Variant of Uncertain Significance.

NM_004655.4(AXIN2):c.1856T>G (p.Val619Gly)

Gene: AXIN2 (axin 2; minus strand). Cytogenetic location: 17q24.1.
Variant type: single nucleotide variant.
Coding change: c.1856T>G on transcript NM_004655.4 (MANE Select); coding-DNA position 1856, T replaced by G.
Protein change: p.Val619Gly; replaces valine 619 with glycine.
Molecular consequence: missense variant. On other transcripts: intron variant (1).
Genome position (GRCh38, 1-based): chr17:65,536,920, A>C on the plus strand (T>G on the coding strand, the complement: AXIN2 is on the minus strand). VCF-style: chr17-65536920-A-C. GRCh37 (hg19) VCF-style: chr17-63533038-A-C.
Other names: c.1713-367T>G (NM_001363813.1); short protein forms V619G.
Identifiers: ClinVar variation 1006572 (VCV001006572.8), dbSNP rs1476148267, ClinGen allele CA400676485.